The following is an entry in ClinVar:

ClinVar aggregate classification (germline): Uncertain significance (1 of 4 stars; one submission).

Allele frequency attached by ClinVar (database versions not stated): TOPMed below 0.00001; gnomAD 0.00001.
gnomAD v4.1: 1 of 1,606,112 alleles (0.000062%); highest among the groups gnomAD compares: African/African-American, 0.0013%; no homozygotes.

Submission:

Labcorp Genetics (formerly Invitae), Labcorp
Classification: Uncertain significance. Last evaluated: 2023-08-17. Review status: criteria provided, single submitter. Criteria: Invitae Variant Classification Sherloc (09022015). Collection method: clinical testing. Allele origin: germline.
Comment: This variant is not present in population databases (gnomAD no frequency). This sequence change replaces threonine, which is neutral and polar, with isoleucine, which is neutral and non-polar, at codon 712 of the GUCY2C protein (p.Thr712Ile). This variant has not been reported in the literature in individuals affected with GUCY2C-related conditions. ClinVar contains an entry for this variant (Variation ID: 1367018). Advanced modeling of protein sequence and biophysical properties (such as structural, functional, and spatial information, amino acid conservation, physicochemical variation, residue mobility, and thermodynamic stability) performed at Invitae indicates that this missense variant is not expected to disrupt GUCY2C protein function. In summary, the available evidence is currently insufficient to determine the role of this variant in disease. Therefore, it has been classified as a Variant of Uncertain Significance.

NM_004963.4(GUCY2C):c.2135C>T (p.Thr712Ile)

Gene: GUCY2C (guanylate cyclase 2C; minus strand). Cytogenetic location: 12p12.3.
Variant type: single nucleotide variant.
Coding change: c.2135C>T on transcript NM_004963.4 (MANE Select); coding-DNA position 2135, C replaced by T.
Protein change: p.Thr712Ile; replaces threonine 712 with isoleucine.
Molecular consequence: missense variant.
Genome position (GRCh38, 1-based): chr12:14,639,884, G>A on the plus strand (C>T on the coding strand, the complement: GUCY2C is on the minus strand). VCF-style: chr12-14639884-G-A. GRCh37 (hg19) VCF-style: chr12-14792818-G-A.
Other names: short protein forms T712I.
Identifiers: ClinVar variation 1367018 (VCV001367018.8), dbSNP rs1947357591, ClinGen allele CA383983592.